The following is an entry in ClinVar:

NM_001354604.2(MITF):c.884G>A (p.Cys295Tyr)

Gene: MITF (melanocyte inducing transcription factor; plus strand). Cytogenetic location: 3p13.
Variant type: single nucleotide variant.
Coding change: c.884G>A on transcript NM_001354604.2 (MANE Select); coding-DNA position 884, G replaced by A.
Protein change: p.Cys295Tyr; replaces cysteine 295 with tyrosine.
Molecular consequence: missense variant. On other transcripts: intron variant (9).
Genome position (GRCh38, 1-based): chr3:69,951,815, G>A. VCF-style: chr3-69951815-G-A. GRCh37 (hg19) VCF-style: chr3-70000966-G-A.
Other names: c.563G>A, p.Cys188Tyr (NM_000248.4); c.881G>A, p.Cys294Tyr (NM_001354605.2); c.830-15G>A (NM_001354607.2); c.725-15G>A (NM_001354608.2, NM_001184967.2); c.881-15G>A (NM_198159.3); c.878-15G>A (NM_001354606.2, NM_006722.3); c.833-15G>A (NM_198177.3); c.560-15G>A (NM_198158.3); and 1 more; short protein forms C188Y, C294Y, C295Y.
Identifiers: ClinVar variation 1803630 (VCV001803630.2), dbSNP rs2471630050, ClinGen allele CA353561505.

ClinVar aggregate classification (germline): Uncertain significance. Review status: criteria provided, multiple submitters, no conflicts (2 of 4 stars). 2 submissions from 2 submitters: Uncertain significance (2). Last evaluated 2023-07-20.

Conditions:
MITF-related disorder. Also called: MITF-related condition.

gnomAD v4.1: 2 of 1,613,186 alleles (0.00012%); highest among the groups gnomAD compares: Non-Finnish European, 0.000085%; no homozygotes.

Submissions (2):

PreventionGenetics, part of Exact Sciences
Classification: Uncertain significance for MITF-related condition. Last evaluated: 2023-07-20. Review status: criteria provided, single submitter. Criteria: ACMG Guidelines, 2015. Collection method: clinical testing. Allele origin: germline.
Comment: The MITF c.563G>A variant is predicted to result in the amino acid substitution p.Cys188Tyr. To our knowledge, this variant has not been reported in the literature or in a large population database, indicating this variant is rare. At this time, the clinical significance of this variant is uncertain due to the absence of conclusive functional and genetic evidence.

GeneDx
Classification: Uncertain significance. Last evaluated: 2022-06-10. Review status: criteria provided, single submitter. Criteria: GeneDx Variant Classification Process June 2021. Collection method: clinical testing. Allele origin: germline. Affected: yes.
Comment: Not observed at significant frequency in large population cohorts (gnomAD); In silico analysis supports that this missense variant does not alter protein structure/function; Has not been previously published as pathogenic or benign to our knowledge